The following is an entry in ClinVar:

ClinVar aggregate classification (germline): Uncertain significance. Review status: criteria provided, multiple submitters, no conflicts (2 of 4 stars). 2 submissions from 2 submitters: Uncertain significance (2). Last evaluated 2025-12-20.

Conditions:
Bloom syndrome (BLM). Also called: Bloom-Torre-Machacek syndrome. Identifiers: Orphanet 125, MedGen C0005859, MONDO:0008876, OMIM 210900.
Hereditary cancer-predisposing syndrome. Also called: Neoplastic Syndromes, Hereditary; Tumor predisposition; Hereditary Cancer Syndrome; Hereditary neoplastic syndrome. Identifiers: Orphanet 140162, MedGen C0027672, MeSH D009386, MONDO:0015356.

Submissions (2):

Ambry Genetics
Classification: Uncertain significance for Hereditary cancer-predisposing syndrome. Last evaluated: 2025-12-20. Review status: criteria provided, single submitter. Criteria: Ambry Variant Classification Scheme 2023. Collection method: clinical testing. Allele origin: germline.
Comment: The p.L1410R variant (also known as c.4229T>G), located in coding exon 21 of the BLM gene, results from a T to G substitution at nucleotide position 4229. The leucine at codon 1410 is replaced by arginine, an amino acid with dissimilar properties. This amino acid position is conserved. In addition, this alteration is predicted to be deleterious by in silico analysis. Based on the available evidence, the clinical significance of this variant remains unclear.

Labcorp Genetics (formerly Invitae), Labcorp
Classification: Uncertain significance for Bloom syndrome. Last evaluated: 2025-06-10. Review status: criteria provided, single submitter. Criteria: Invitae Variant Classification Sherloc (09022015). Collection method: clinical testing. Allele origin: germline.
Comment: This sequence change replaces leucine, which is neutral and non-polar, with arginine, which is basic and polar, at codon 1410 of the BLM protein (p.Leu1410Arg). This variant is not present in population databases (gnomAD no frequency). This variant has not been reported in the literature in individuals affected with BLM-related conditions. ClinVar contains an entry for this variant (Variation ID: 1488507). An algorithm developed to predict the effect of missense changes on protein structure and function (PolyPhen-2) suggests that this variant is likely to be disruptive. RNA analysis performed to evaluate the impact of this missense change on mRNA splicing indicates it does not significantly alter splicing (internal data). In summary, the available evidence is currently insufficient to determine the role of this variant in disease. Therefore, it has been classified as a Variant of Uncertain Significance.

NM_000057.4(BLM):c.4229T>G (p.Leu1410Arg)

Gene: BLM (BLM RecQ like helicase; plus strand). Cytogenetic location: 15q26.1.
Variant type: single nucleotide variant.
Coding change: c.4229T>G on transcript NM_000057.4 (MANE Select); coding-DNA position 4229, T replaced by G.
Protein change: p.Leu1410Arg; replaces leucine 1410 with arginine.
Molecular consequence: missense variant.
Genome position (GRCh38, 1-based): chr15:90,815,254, T>G. VCF-style: chr15-90815254-T-G. GRCh37 (hg19) VCF-style: chr15-91358484-T-G.
Other names: c.4229T>G, p.Leu1410Arg (NM_001287246.2); c.3836T>G, p.Leu1279Arg (NM_001287247.2); c.3104T>G, p.Leu1035Arg (NM_001287248.2); c.4229T>G (NM_000057.2); short protein forms L1410R, L1035R, L1279R.
Identifiers: ClinVar variation 1488507 (VCV001488507.7), dbSNP rs2151202442, ClinGen allele CA393853209.